The following is an entry in ClinVar:

ClinVar aggregate classification (germline): Pathogenic (1 of 4 stars; one submission).

Submission:

Labcorp Genetics (formerly Invitae), Labcorp
Classification: Pathogenic. Last evaluated: 2023-04-03. Review status: criteria provided, single submitter. Criteria: Invitae Variant Classification Sherloc (09022015). Collection method: clinical testing. Allele origin: unknown.
Comment: For these reasons, this variant has been classified as Pathogenic. This variant has not been reported in the literature in individuals affected with ABCA3-related conditions. This variant is a gross deletion of the genomic region encompassing exon(s) 9-10 of the ABCA3 gene. This deletion is out-of-frame, and is expected to create a premature termination codon and result in an absent or disrupted protein product. Loss-of-function variants in ABCA3 are known to be pathogenic (PMID: 27516224).

Literature cited by the submitters: PubMed 27516224.

NC_000016.9:g.(?_2367264)_(2367785_?)del

Gene: ABCA3 (ATP binding cassette subfamily A member 3; minus strand). Cytogenetic location: 16p13.3.
Variant type: Deletion.
Identifiers: ClinVar variation 3243611 (VCV003243611.1).